The following is an entry in ClinVar:

NM_000744.7(CHRNA4):c.647G>C (p.Gly216Ala)

Gene: CHRNA4 (cholinergic receptor nicotinic alpha 4 subunit; minus strand). Cytogenetic location: 20q13.33.
Variant type: single nucleotide variant.
Coding change: c.647G>C on transcript NM_000744.7 (MANE Select); coding-DNA position 647, G replaced by C.
Protein change: p.Gly216Ala; replaces glycine 216 with alanine.
Molecular consequence: missense variant. On other transcripts: non-coding transcript variant (1).
Genome position (GRCh38, 1-based): chr20:63,350,764, C>G on the plus strand (G>C on the coding strand, the complement: CHRNA4 is on the minus strand). VCF-style: chr20-63350764-C-G. GRCh37 (hg19) VCF-style: chr20-61982116-C-G.
Other names: c.647G>C (NM_000744.5); c.119G>C, p.Gly40Ala (NM_001256573.2); short protein forms G216A, G40A.
Identifiers: ClinVar variation 3015399 (VCV003015399.4), dbSNP rs778751703, ClinGen allele CA9957761.

ClinVar aggregate classification (germline): Uncertain significance. Review status: criteria provided, multiple submitters, no conflicts (2 of 4 stars). 2 submissions from 2 submitters: Uncertain significance (2). Last evaluated 2026-03-11.

Conditions:
Familial sleep-related hypermotor epilepsy. Also called: Autosomal Dominant Sleep-Related Hypermotor (Hyperkinetic) Epilepsy. Identifiers: Orphanet 98784, MedGen C3696898, MONDO:0000030.

Allele frequency attached by ClinVar (database versions not stated): ExAC 0.00002.

Submissions (2):

GeneDx
Classification: Uncertain significance. Last evaluated: 2026-03-11. Review status: criteria provided, single submitter. Criteria: GeneDx Variant Classification Process June 2021. Collection method: clinical testing. Allele origin: germline.
Comment: Not observed at significant frequency in large population cohorts (gnomAD); In silico analysis supports that this missense variant has a deleterious effect on protein structure/function; Has not been previously published as pathogenic or benign to our knowledge; This variant is associated with the following publications: (PMID: 24848745)

Labcorp Genetics (formerly Invitae), Labcorp
Classification: Uncertain significance. Last evaluated: 2023-02-09. Review status: criteria provided, single submitter. Criteria: Invitae Variant Classification Sherloc (09022015). Collection method: clinical testing. Allele origin: germline.
Comment: In summary, the available evidence is currently insufficient to determine the role of this variant in disease. Therefore, it has been classified as a Variant of Uncertain Significance. Advanced modeling of protein sequence and biophysical properties (such as structural, functional, and spatial information, amino acid conservation, physicochemical variation, residue mobility, and thermodynamic stability) performed at Invitae indicates that this missense variant is not expected to disrupt CHRNA4 protein function. This variant has not been reported in the literature in individuals affected with CHRNA4-related conditions. This variant is present in population databases (rs778751703, gnomAD 0.002%). This sequence change replaces glycine, which is neutral and non-polar, with alanine, which is neutral and non-polar, at codon 216 of the CHRNA4 protein (p.Gly216Ala).